The following is an entry in ClinVar:

ClinVar aggregate classification (germline): Conflicting classifications of pathogenicity. Review status: criteria provided, conflicting classifications (1 of 4 stars). 2 submissions from 2 submitters: Uncertain significance (1); Likely benign (1). Last evaluated 2025-09-15.

Conditions:
Dystonic disorder. Also called: Dystonia. Identifiers: MedGen C0013421, MONDO:0003441, HP:0001332.

Allele frequency attached by ClinVar (database versions not stated): ExAC 0.00004; gnomAD 0.00002.
gnomAD v4.1: 36 of 1,612,580 alleles (0.0022%); highest among the groups gnomAD compares: South Asian, 0.0099%; no homozygotes.

Submissions (2):

Labcorp Genetics (formerly Invitae), Labcorp
Classification: Uncertain significance for Dystonic disorder. Last evaluated: 2025-09-15. Review status: criteria provided, single submitter. Criteria: Invitae Variant Classification Sherloc (09022015). Collection method: clinical testing. Allele origin: germline.
Comment: This sequence change replaces proline, which is neutral and non-polar, with alanine, which is neutral and non-polar, at codon 61 of the CIZ1 protein (p.Pro61Ala). This variant is present in population databases (rs778369623, gnomAD 0.01%). This variant has not been reported in the literature in individuals affected with CIZ1-related conditions. ClinVar contains an entry for this variant (Variation ID: 2461368). An algorithm developed to predict the effect of missense changes on protein structure and function outputs the following: PolyPhen-2: "Benign". The alanine amino acid residue is found in multiple mammalian species, which suggests that this missense change does not adversely affect protein function. In summary, the available evidence is currently insufficient to determine the role of this variant in disease. Therefore, it has been classified as a Variant of Uncertain Significance.

Ambry Genetics
Classification: Likely benign. Last evaluated: 2023-03-13. Review status: criteria provided, single submitter. Criteria: Ambry Variant Classification Scheme 2023. Collection method: clinical testing. Allele origin: germline.

NM_001131016.2(CIZ1):c.181C>G (p.Pro61Ala)

Gene: CIZ1 (CDKN1A interacting zinc finger protein 1; minus strand). Cytogenetic location: 9q34.11.
Variant type: single nucleotide variant.
Coding change: c.181C>G on transcript NM_001131016.2 (MANE Select); coding-DNA position 181, C replaced by G.
Protein change: p.Pro61Ala; replaces proline 61 with alanine.
Molecular consequence: missense variant. On other transcripts: intron variant (1).
Genome position (GRCh38, 1-based): chr9:128,190,434, G>C on the plus strand (C>G on the coding strand, the complement: CIZ1 is on the minus strand). VCF-style: chr9-128190434-G-C. GRCh37 (hg19) VCF-style: chr9-130952713-G-C.
Other names: c.181C>G, p.Pro61Ala (NM_001131015.2, NM_001131017.2, NM_001131018.2 and 1 more transcripts); c.271C>G, p.Pro91Ala (NM_001257975.2); c.-18+254C>G (NM_001257976.2); short protein forms P91A, P61A.
Identifiers: ClinVar variation 2461368 (VCV002461368.4), dbSNP rs778369623, ClinGen allele CA5257658.